The following is an entry in ClinVar:

NM_014336.5(AIPL1):c.1036T>C (p.Ser346Pro)

Gene: AIPL1 (AIP like 1 HSP90 co-chaperone; minus strand). Cytogenetic location: 17p13.2.
Variant type: single nucleotide variant.
Coding change: c.1036T>C on transcript NM_014336.5 (MANE Select); coding-DNA position 1036, T replaced by C.
Protein change: p.Ser346Pro; replaces serine 346 with proline.
Molecular consequence: missense variant. On other transcripts: 3 prime UTR variant (1).
Genome position (GRCh38, 1-based): chr17:6,425,579, A>G on the plus strand (T>C on the coding strand, the complement: AIPL1 is on the minus strand). VCF-style: chr17-6425579-A-G. GRCh37 (hg19) VCF-style: chr17-6328899-A-G.
Other names: c.847T>C, p.Ser283Pro (NM_001033054.3); c.856T>C, p.Ser286Pro (NM_001033055.3); c.1000T>C, p.Ser334Pro (NM_001285399.3); c.970T>C, p.Ser324Pro (NM_001285400.3); c.964T>C, p.Ser322Pro (NM_001285401.3); c.919T>C, p.Ser307Pro (NM_001285402.2); c.*1007T>C (NM_001285403.4); short protein forms S322P, S346P, S286P, S307P, S324P, S283P, S334P.
Identifiers: ClinVar variation 839264 (VCV000839264.7), dbSNP rs753854367, ClinGen allele CA8328325.
Genomic context (GRCh38, chr17:6,425,579, plus strand): 5'-GCCCTGCGGACAGCTCTGCAGATGGTGCTGTGGGTGGCTCTGCAGGTGGCTCTGTGGATG[A>G]CTGTGCGGGTGGCTCTGTGGGTGGCTCTGCGGGAGGCTGCGTGGCACCCTGGCTCAGCAT-3'
Protein context (NP_055151.3, residues 336-356): AEPPTEPPAQ[Ser346Pro]STEPPAEPPT

ClinVar aggregate classification (germline): Uncertain significance (1 of 4 stars; one submission).

Conditions:
Leber congenital amaurosis 4 (LCA4). Identifiers: MedGen C1858386, MONDO:0011458, OMIM 604393.

Allele frequency attached by ClinVar (database versions not stated): gnomAD below 0.00001 and 0.00001; gnomAD exomes below 0.00001 and 0.00002; TOPMed below 0.00001; ExAC 0.00001.
gnomAD v4.1: 10 of 1,612,784 alleles (0.00062%); highest among the groups gnomAD compares: South Asian, 0.0066%; no homozygotes.

Submission:

Labcorp Genetics (formerly Invitae), Labcorp
Classification: Uncertain significance for Leber congenital amaurosis 4. Last evaluated: 2021-08-28. Review status: criteria provided, single submitter. Criteria: Invitae Variant Classification Sherloc (09022015). Collection method: clinical testing. Allele origin: germline.
Comment: This sequence change replaces serine with proline at codon 346 of the AIPL1 protein (p.Ser346Pro). The serine residue is weakly conserved and there is a moderate physicochemical difference between serine and proline. This variant is present in population databases (rs753854367, ExAC 0.006%). This variant has not been reported in the literature in individuals affected with AIPL1-related conditions. Experimental studies and prediction algorithms are not available or were not evaluated, and the functional significance of this variant is currently unknown. In summary, the available evidence is currently insufficient to determine the role of this variant in disease. Therefore, it has been classified as a Variant of Uncertain Significance.